The following is an entry in ClinVar:

ClinVar aggregate classification (germline): Conflicting classifications of pathogenicity. Review status: criteria provided, conflicting classifications (1 of 4 stars). 5 submissions from 5 submitters: Uncertain significance (1); Likely benign (3). 1 of the submissions does not count toward it. Last evaluated 2026-01-19.

Conditions:
Alstrom syndrome (ALMS). Identifiers: Orphanet 64, MedGen C0268425, MONDO:0008763, OMIM 203800.
Cardiovascular phenotype. Identifiers: MedGen CN230736.

Allele frequency attached by ClinVar (database versions not stated): ExAC 0.00007; gnomAD exomes 0.00008 and 0.00014; TOPMed 0.00011; gnomAD 0.00012 and 0.00013; ESP Exome Variant Server 0.00017.
gnomAD v4.1: 146 of 1,613,650 alleles (0.009%); highest among the groups gnomAD compares: Non-Finnish European, 0.002%; no homozygotes.

Submissions (5):

Labcorp Genetics (formerly Invitae), Labcorp
Classification: Likely benign for Alstrom syndrome. Last evaluated: 2026-01-19. Review status: criteria provided, single submitter. Criteria: Invitae Variant Classification Sherloc (09022015). Collection method: clinical testing. Allele origin: germline.

GeneDx
Classification: Uncertain significance. Last evaluated: 2025-09-04. Review status: criteria provided, single submitter. Criteria: GeneDx Variant Classification Process June 2021. Collection method: clinical testing. Allele origin: germline. Affected: yes.
Comment: In silico analysis supports that this missense variant has a deleterious effect on protein structure/function; Has not been previously published as pathogenic or benign to our knowledge

Blueprint Genetics
Classification: Likely benign. Last evaluated: 2024-08-06. Review status: criteria provided, single submitter. Criteria: ACMG Guidelines, 2015. Collection method: clinical testing. Allele origin: germline.

Ambry Genetics
Classification: Likely benign for Cardiovascular phenotype. Last evaluated: 2023-10-10. Review status: criteria provided, single submitter. Criteria: Ambry Variant Classification Scheme 2023. Collection method: clinical testing. Allele origin: germline.

Natera, Inc.
Classification: Uncertain significance for Alstrom syndrome. Last evaluated: 2020-01-24. Review status: no assertion criteria provided. Collection method: clinical testing. Allele origin: germline. Not counted in ClinVar's aggregate classification.

NM_001378454.1(ALMS1):c.9880G>C (p.Asp3294His)

Gene: ALMS1 (ALMS1 centrosome and basal body associated protein; plus strand). Cytogenetic location: 2p13.1.
Variant type: single nucleotide variant.
Coding change: c.9880G>C on transcript NM_001378454.1 (MANE Select); coding-DNA position 9880, G replaced by C.
Protein change: p.Asp3294His; replaces aspartic acid 3294 with histidine.
Molecular consequence: missense variant.
Genome position (GRCh38, 1-based): chr2:73,534,922, G>C. VCF-style: chr2-73534922-G-C. GRCh37 (hg19) VCF-style: chr2-73762049-G-C.
Other names: c.9883G>C, p.Asp3295His (NM_015120.4); short protein forms D3295H, D3294H.
Identifiers: ClinVar variation 423504 (VCV000423504.21), dbSNP rs200441305, ClinGen allele CA1714798.
Genomic context (GRCh38, chr2:73,534,922, plus strand): 5'-ACCAAGATGTATTATGTTCCACAATTAAGACAAATTCCTCCATCTCCGGATTCCAAATCA[G>C]ATACCACCGTTGAAAGCTCCCATTCAGGTATTATGCAGAAATTATTCGAAGTTTTATTGT-3'
Protein context (NP_001365383.1, residues 3284-3304): QIPPSPDSKS[Asp3294His]TTVESSHSGS